The following is an entry in ClinVar:

ClinVar aggregate classification (germline): Likely pathogenic. Review status: criteria provided, multiple submitters, no conflicts (2 of 4 stars). 2 submissions from 2 submitters: Likely pathogenic (2). Last evaluated 2023-10-02.

Conditions:
Fetal akinesia deformation sequence 2. Identifiers: MedGen C4760576, MONDO:0100102, OMIM 618388.
Congenital myasthenic syndrome 11. Also called: Myasthenic syndrome, congenital, 11, associated with acetylcholine receptor deficiency; MYASTHENIC SYNDROME, CONGENITAL, Ie. Identifiers: Orphanet 590, MedGen C4225367, MONDO:0014588, OMIM 616326.

Submissions (2):

Baylor Genetics
Classification: Likely pathogenic for Fetal akinesia deformation sequence 2. Last evaluated: 2023-10-02. Review status: criteria provided, single submitter. Criteria: ACMG Guidelines, 2015. Collection method: clinical testing. Allele origin: unknown.

Neuberg Centre For Genomic Medicine, NCGM
Classification: Likely pathogenic for Congenital myasthenic syndrome 11. Last evaluated: 2023-06-22. Review status: criteria provided, single submitter. Criteria: ACMG Guidelines, 2015. Collection method: clinical testing. Allele origin: germline. Inheritance: Autosomal recessive inheritance. Affected: yes.
Comment: The observed frameshift variant c.39delp.Leu14SerfsTer50 in the RAPSN gene has not been reported previously as a pathogenic variant nor as a benign variant, to our knowledge. This variant is absent in the gnomAD Exomes. This variant causes a frameshift starting with codon Leucine 14, changes this amino acid to Serine residue, and creates a premature Stop codon at position 50 of the new reading frame, denoted p.Leu14SerfsTer50. This variant is predicted to cause loss of normal protein function through protein truncation. Loss of function variants have been previously reported to be disease causing Das AS, et al., 2014. For these reasons, this variant has been classified as Likely Pathogenic. In the absence of another reportable variant, the molecular diagnosis is not confirmed.

NM_005055.5(RAPSN):c.39del (p.Leu14fs)

Gene: RAPSN (receptor associated protein of the synapse; minus strand). Cytogenetic location: 11p11.2.
Variant type: Deletion.
Coding change: c.39del on transcript NM_005055.5 (MANE Select); coding-DNA position 39, one base deleted (G; older notation c.39delG).
Protein change: p.Leu14fs; shifts the reading frame from leucine 14.
Molecular consequence: frameshift variant.
Genome position (GRCh38, 1-based): chr11:47,448,926, C deleted on the plus strand (G on the coding strand, the reverse complement: RAPSN is on the minus strand); the first of 4 consecutive C bases (chr11:47,448,926-47,448,929); deleting any one gives the same sequence. VCF-style (leftmost placement, unchanged base first): chr11-47448925-GC-G. GRCh37 (hg19) VCF-style: chr11-47470477-GC-G.
Other names: c.39del, p.Leu14fs (NM_032645.5); short protein forms L14fs.
Identifiers: ClinVar variation 2678223 (VCV002678223.2), dbSNP rs2496138547, ClinGen allele CA2695201135.